The following is an entry in ClinVar:

ClinVar aggregate classification (germline): Uncertain significance (1 of 4 stars; one submission).

gnomAD v4.1: 1 of 1,600,090 alleles (0.000062%); no homozygotes.

Submission:

Labcorp Genetics (formerly Invitae), Labcorp
Classification: Uncertain significance. Last evaluated: 2025-01-12. Review status: criteria provided, single submitter. Criteria: Invitae Variant Classification Sherloc (09022015). Collection method: clinical testing. Allele origin: germline.
Comment: This sequence change replaces isoleucine, which is neutral and non-polar, with valine, which is neutral and non-polar, at codon 549 of the GUCY1A1 protein (p.Ile549Val). This variant is present in population databases (no rsID available, gnomAD 0.01%). This variant has not been reported in the literature in individuals affected with GUCY1A1-related conditions. Invitae Evidence Modeling of protein sequence and biophysical properties (such as structural, functional, and spatial information, amino acid conservation, physicochemical variation, residue mobility, and thermodynamic stability) indicates that this missense variant is not expected to disrupt GUCY1A1 protein function with a negative predictive value of 80%. In summary, the available evidence is currently insufficient to determine the role of this variant in disease. Therefore, it has been classified as a Variant of Uncertain Significance.

NM_001130682.3(GUCY1A1):c.1645A>G (p.Ile549Val)

Gene: GUCY1A1 (guanylate cyclase 1 soluble subunit alpha 1; plus strand). Cytogenetic location: 4q32.1.
Variant type: single nucleotide variant.
Coding change: c.1645A>G on transcript NM_001130682.3 (MANE Select); coding-DNA position 1645, A replaced by G.
Protein change: p.Ile549Val; replaces isoleucine 549 with valine.
Molecular consequence: missense variant.
Genome position (GRCh38, 1-based): chr4:155,717,231, A>G. VCF-style: chr4-155717231-A-G. GRCh37 (hg19) VCF-style: chr4-156638383-A-G.
Other names: c.1645A>G, p.Ile549Val (NM_001379668.1, NM_001379669.1, NM_001379670.1 and 12 more transcripts); c.1138A>G, p.Ile380Val (NM_001379676.1); c.940A>G, p.Ile314Val (NM_001130685.3); short protein forms I314V, I380V, I549V.
Identifiers: ClinVar variation 3680953 (VCV003680953.2).